The following is an entry in ClinVar:

ClinVar aggregate classification (germline): Uncertain significance (1 of 4 stars; one submission).

Conditions:
Loeys-Dietz syndrome 4 (LDS4). Also called: ANEURYSM, AORTIC AND CEREBRAL, WITH ARTERIAL TORTUOSITY AND SKELETAL MANIFESTATIONS; TGFB2-Related Loeys-Dietz Syndrome. Identifiers: MedGen C3553762, MONDO:0013897, OMIM 614816.

gnomAD v4.1: 2 of 1,614,018 alleles (0.00012%); highest among the groups gnomAD compares: Non-Finnish European, 0.00017%; no homozygotes.

Submission:

Labcorp Genetics (formerly Invitae), Labcorp
Classification: Uncertain significance for Loeys-Dietz syndrome 4. Last evaluated: 2025-05-26. Review status: criteria provided, single submitter. Criteria: Invitae Variant Classification Sherloc (09022015). Collection method: clinical testing. Allele origin: germline.
Comment: This sequence change replaces glutamine, which is neutral and polar, with arginine, which is basic and polar, at codon 295 of the TGFB2 protein (p.Gln295Arg). This variant is not present in population databases (gnomAD no frequency). This variant has not been reported in the literature in individuals affected with TGFB2-related conditions. Invitae Evidence Modeling of protein sequence and biophysical properties (such as structural, functional, and spatial information, amino acid conservation, physicochemical variation, residue mobility, and thermodynamic stability) indicates that this missense variant is not expected to disrupt TGFB2 protein function with a negative predictive value of 80%. In summary, the available evidence is currently insufficient to determine the role of this variant in disease. Therefore, it has been classified as a Variant of Uncertain Significance.

NM_003238.6(TGFB2):c.884A>G (p.Gln295Arg)

Gene: TGFB2 (transforming growth factor beta 2; plus strand). Cytogenetic location: 1q41.
Variant type: single nucleotide variant.
Coding change: c.884A>G on transcript NM_003238.6 (MANE Select); coding-DNA position 884, A replaced by G.
Protein change: p.Gln295Arg; replaces glutamine 295 with arginine.
Molecular consequence: missense variant. On other transcripts: non-coding transcript variant (2).
Genome position (GRCh38, 1-based): chr1:218,436,099, A>G. VCF-style: chr1-218436099-A-G. GRCh37 (hg19) VCF-style: chr1-218609441-A-G.
Other names: c.968A>G, p.Gln323Arg (NM_001135599.4); short protein forms Q295R, Q323R.
Identifiers: ClinVar variation 4739850 (VCV004739850.1).